The following is an entry in ClinVar:

NM_005921.2(MAP3K1):c.2782_2784del (p.Ser928del)

Gene: MAP3K1 (mitogen-activated protein kinase kinase kinase 1; plus strand). Cytogenetic location: 5q11.2.
Variant type: Deletion.
Coding change: c.2782_2784del on transcript NM_005921.2 (MANE Select); coding-DNA positions 2782 to 2784, 3 bases deleted (TCT; older notation c.2782_2784delTCT).
Protein change: p.Ser928del; deletes serine 928.
Molecular consequence: inframe deletion.
Genome position (GRCh38, 1-based): chr5:56,881,982-56,881,984, TCT deleted; deleting any 3 consecutive bases within chr5:56,881,981-56,881,984 gives the same sequence; the c. name uses the placement nearest the transcript's 3' end. VCF-style (leftmost placement, unchanged base first): chr5-56881980-TTTC-T. GRCh37 (hg19) VCF-style: chr5-56177807-TTTC-T.
Other names: short protein forms S928del.
Identifiers: ClinVar variation 842507 (VCV000842507.9), dbSNP rs1748225593, ClinGen allele CA916082712.

ClinVar aggregate classification (germline): Uncertain significance (1 of 4 stars; one submission).

Conditions:
46,XY sex reversal 6. Also called: 46,XY SEX REVERSAL, PARTIAL OR COMPLETE, MAP3K1-RELATED; 46,XY GONADAL DYSGENESIS, PARTIAL OR COMPLETE, MAP3K1-RELATED. Identifiers: MedGen C3151064, MONDO:0013410, OMIM 613762.

Submission:

Labcorp Genetics (formerly Invitae), Labcorp
Classification: Uncertain significance for 46,XY sex reversal 6. Last evaluated: 2019-03-07. Review status: criteria provided, single submitter. Criteria: Invitae Variant Classification Sherloc (09022015). Collection method: clinical testing. Allele origin: germline.
Comment: In summary, the available evidence is currently insufficient to determine the role of this variant in disease. Therefore, it has been classified as a Variant of Uncertain Significance. Experimental studies and prediction algorithms are not available for this variant, and the functional significance of the affected amino acid(s) is currently unknown. This variant has not been reported in the literature in individuals with MAP3K1-related conditions. This variant is not present in population databases (ExAC no frequency). This variant, c.2782_2784del, results in the deletion of 1 amino acid(s) of the MAP3K1 protein (p.Ser928del), but otherwise preserves the integrity of the reading frame.